The following is an entry in ClinVar:

ClinVar aggregate classification (germline): Conflicting classifications of pathogenicity. Review status: criteria provided, conflicting classifications (1 of 4 stars). 14 submissions from 14 submitters: Uncertain significance (9); Likely benign (1). 4 of the submissions do not count toward it. Last evaluated 2026-08-14.

Conditions:
BRCA2-related disorder. Also called: BRCA2-related condition; BRCA2-related disorders. Identifiers: MedGen CN239275.
Hereditary cancer-predisposing syndrome. Also called: Hereditary neoplastic syndrome; Tumor predisposition; Hereditary Cancer Syndrome; Neoplastic Syndromes, Hereditary. Identifiers: Orphanet 140162, MedGen C0027672, MeSH D009386, MONDO:0015356.
Hereditary breast ovarian cancer syndrome. Also called: Breast and ovarian cancer; Hereditary breast and/or ovarian cancer syndrome; BRCA1- and BRCA2-Associated Hereditary Breast and Ovarian Cancer; Hereditary breast and ovarian cancer syndrome; Hereditary breast and ovarian cancer; Hereditary breast and ovarian cancer syndrome (HBOC). Identifiers: Orphanet 145, MedGen C0677776, MeSH D061325, MONDO:0003582. Disease mechanism: loss of function.
Breast-ovarian cancer, familial, susceptibility to, 2 (BROVCA2). Also called: BRCA2 Hereditary Breast and Ovarian Cancer. Identifiers: Orphanet 145, MedGen C2675520, MONDO:0012933, OMIM 612555. Disease mechanism: loss of function.
Familial cancer of breast. Also called: BREAST CANCER, FAMILIAL; Hereditary breast cancer; hereditary breast carcinoma. Identifiers: Orphanet 227535, MedGen C0346153, MONDO:0016419, OMIM 114480. Disease mechanism: loss of function.

Allele frequency attached by ClinVar (database versions not stated): gnomAD exomes below 0.00001; gnomAD 0.00001; TOPMed 0.00002; ESP Exome Variant Server 0.00008.
gnomAD v4.1: 8 of 1,613,920 alleles (0.0005%); highest among the groups gnomAD compares: Non-Finnish European, 0.00068%; no homozygotes.

Submissions (14):

PreventionGenetics, part of Exact Sciences
Classification: Uncertain significance for BRCA2-related condition. Last evaluated: 2026-08-14. Review status: criteria provided, single submitter. Criteria: ACMG Guidelines, 2015. Collection method: clinical testing. Allele origin: germline.
Comment: The BRCA2 c.7466A>G variant is predicted to result in the amino acid substitution p.Asp2489Gly. This variant has been reported in the breast cancer information core database (Szabo et al. 2000. PubMed ID: 10923033). Functional studies showed this variant does not significantly impact splicing (Casadei et al. 2019. PubMed ID: 31843900; Biswas et al. 2020. PubMed ID: 33293522). This variant is reported in 0.00088% of alleles in individuals of European (Non-Finnish) descent in gnomAD. This variant has conflicting interpretations in ClinVar ranging from uncertain to likely benign. At this time, the clinical significance of this variant is uncertain due to the absence of conclusive functional and genetic evidence.

Labcorp Genetics (formerly Invitae), Labcorp
Classification: Uncertain significance for Hereditary breast ovarian cancer syndrome. Last evaluated: 2026-01-20. Review status: criteria provided, single submitter. Criteria: Invitae Variant Classification Sherloc (09022015). Collection method: clinical testing. Allele origin: germline.
Comment: This sequence change replaces aspartic acid, which is acidic and polar, with glycine, which is neutral and non-polar, at codon 2489 of the BRCA2 protein (p.Asp2489Gly). This variant is present in population databases (rs80358970, gnomAD 0.0009%). This missense change has been observed in individual(s) with BRCA2-related conditions (PMID: 10923033). ClinVar contains an entry for this variant (Variation ID: 38098). Invitae Evidence Modeling of protein sequence and biophysical properties (such as structural, functional, and spatial information, amino acid conservation, physicochemical variation, residue mobility, and thermodynamic stability) indicates that this missense variant is not expected to disrupt BRCA2 protein function with a negative predictive value of 95%. RNA analysis performed to evaluate the impact of this missense change on mRNA splicing indicates it does not significantly alter splicing (PMID: 31191615, 31843900, 33293522; internal data). In summary, the available evidence is currently insufficient to determine the role of this variant in disease. Therefore, it has been classified as a Variant of Uncertain Significance.

Quest Diagnostics Nichols Institute San Juan Capistrano
Classification: Uncertain significance. Last evaluated: 2025-04-01. Review status: criteria provided, single submitter. Criteria: Quest Diagnostics criteria. Collection method: clinical testing. Allele origin: unknown.
Comment: The BRCA2 c.7466A>G (p.Asp2489Gly) variant has been reported in the published literature in functional studies which demonstrated that this variant had a conflicting effect on protein function, with impact on cell survival and drug sensitivity (PMID: 33293522 (2020)), but no effect on splicing (PMID: 31843900 (2019)), as well as benign effects in saturation genome editing assays (PMIDs: 39779848 (2025), 39779857 (2025)). The frequency of this variant in the general population (Genome Aggregation Database) is uninformative in the assessment of its pathogenicity. Analysis of this variant using bioinformatics tools for the prediction of the effect of amino acid changes on protein structure and function yielded conflicting predictions that this variant is deleterious or benign. Based on the available information, we are unable to determine the clinical significance of this variant.

Color Diagnostics, LLC DBA Color Health
Classification: Uncertain significance for Hereditary cancer-predisposing syndrome. Last evaluated: 2024-08-14. Review status: criteria provided, single submitter. Criteria: ACMG Guidelines, 2015. Collection method: clinical testing. Allele origin: germline.
Comment: This missense variant replaces aspartic acid with glycine at codon 2489 in the DNA binding domain of the BRCA2 protein. Computational prediction is inconclusive regarding the impact of this variant on protein structure and function. A functional study has reported the variant protein to be nonfunctional based on the ability to rescue the lethality of brca2-null mouse embryonic stem cells, as well as sensitivity to multiple DNA damaging agents (PMID: 33293522). This variant has been detected in an individual older than age 70 years who has never had cancer (FLOSSIES database). Multifactorial analyses have reported likelihood ratios (LR) for pathogenicity reaching a combined LR = 0.356 based on personal and family history and co-occurrence with a pathogenic variant (PMID: 31131967, 31853058; Color internal data). This variant has been identified in 1/251424 chromosomes in the general population by the Genome Aggregation Database (gnomAD). The available evidence is insufficient to determine the role of this variant in disease conclusively. Therefore, this variant is classified as a Variant of Uncertain Significance.

Molecular Pathology, Peter Maccallum Cancer Centre
Classification: Uncertain significance for Breast-ovarian cancer, familial, susceptibility to, 2. Last evaluated: 2024-02-29. Review status: criteria provided, single submitter. Criteria: ACMG Guidelines, 2015. Collection method: clinical testing. Allele origin: germline. Inheritance: Autosomal dominant inheritance.

Baylor Genetics
Classification: Uncertain significance for Familial cancer of breast. Last evaluated: 2023-11-11. Review status: criteria provided, single submitter. Criteria: ACMG Guidelines, 2015. Collection method: clinical testing. Allele origin: unknown.

All of Us Research Program, National Institutes of Health
Classification: Uncertain significance for Breast-ovarian cancer, familial, susceptibility to, 2. Last evaluated: 2023-05-31. Review status: criteria provided, single submitter. Criteria: ACMG Guidelines, 2015. Collection method: clinical testing. Allele origin: germline. Inheritance: Autosomal dominant inheritance. Observed: 2 variant alleles, 2 heterozygotes.
Comment: This missense variant replaces aspartic acid with glycine at codon 2489 in the DNA binding domain of the BRCA2 protein. Computational prediction is inconclusive regarding the impact of this variant on protein structure and function (internally defined REVEL score threshold 0.5 < inconclusive < 0.7, PMID: 27666373). A functional study has reported the mutant protein to be nonfunctional based on the ability to rescue the lethality of brca2-null mouse embryonic stem cells, as well as sensitivity to multiple DNA damaging agents (PMID: 33293522). This variant has not been reported in individuals affected with hereditary cancer in the literature. This variant has been identified in 1/251424 chromosomes in the general population by the Genome Aggregation Database (gnomAD). The available evidence is insufficient to determine the role of this variant in disease conclusively. Therefore, this variant is classified as a Variant of Uncertain Significance.

This study involves interpretation of variants in research participants for the purpose of population health screening. Participant phenotype was not available at the time of variant classification. Additional details can be found in publication PMID: 35346344, PMCID: PMC8962531

Ambry Genetics
Classification: Likely benign for Hereditary cancer-predisposing syndrome. Last evaluated: 2022-01-03. Review status: criteria provided, single submitter. Criteria: Ambry Variant Classification Scheme 2023. Collection method: clinical testing. Allele origin: germline.

Women's Health and Genetics/Laboratory Corporation of America, LabCorp
Classification: Uncertain significance. Last evaluated: 2019-02-18. Review status: criteria provided, single submitter. Criteria: LabCorp Variant Classification Summary - May 2015. Collection method: clinical testing. Allele origin: germline.
Comment: Variant summary: BRCA2 c.7466A>G (p.Asp2489Gly) results in a non-conservative amino acid change located in the helical domain (IPR015252) of the encoded protein sequence. Four of five in-silico tools predict a damaging effect of the variant on protein function, however this variant was predicted to be neutral by a protein likelihood ratio model developed for BRCA2 (Karchin_2008). The variant allele was found at a frequency of 4.1e-06 in 246196 control chromosomes (gnomAD). The available data on variant occurrences in the general population are insufficient to allow any conclusion about variant significance. To our knowledge, no occurrence of c.7466A>G in individuals affected with Hereditary Breast and Ovarian Cancer and no experimental evidence demonstrating its impact on protein function have been reported. Four ClinVar submissions from clinical diagnostic laboratories (evaluation after 2014) cite the variant as uncertain significance. Based on the evidence outlined above, the variant was classified as uncertain significance.

GeneDx
Classification: Uncertain significance. Last evaluated: 2017-01-17. Review status: criteria provided, single submitter. Criteria: GeneDx Variant Classification (06012015). Collection method: clinical testing. Allele origin: germline. Affected: yes.
Comment: This variant is denoted BRCA2 c.7466A>G at the cDNA level, p.Asp2489Gly (D2489G) at the protein level, and results in the change of an Aspartic Acid to a Glycine (GAT>GGT). Using alternate nomenclature, this variant would be defined as BRCA2 7694A>G. This variant has not, to our knowledge, been published in the literature as pathogenic or benign. BRCA2 Asp2489Gly was not observed at a significant allele frequency in the NHLBI Exome Sequencing Project. Since Aspartic Acid and Glycine differ in polarity, charge, size or other properties, this is considered a non-conservative amino acid substitution. BRCA2 Asp2489Gly occurs at a position that is not conserved and is located in the DNA and FANCD2 binding domains (Yang 2002, Uniprot). In silico analyses are inconsistent regarding the effect this variant may have on protein structure and function. Based on currently available evidence, it is unclear whether BRCA2 Asp2489Gly is a pathogenic or benign variant. We consider it to be a variant of uncertain significance.

King Laboratory, University of Washington
Classification: Benign. Last evaluated: 2019-09-01. Review status: no assertion criteria provided. Collection method: research. Allele origin: germline. Affected: yes. Not counted in ClinVar's aggregate classification.
Comment: Transcript analysis by cBROCA

Counsyl
Classification: Uncertain significance for Breast-ovarian cancer, familial, susceptibility to, 2. Last evaluated: 2017-06-02. Review status: no assertion criteria provided. Collection method: clinical testing. Allele origin: unknown. Not counted in ClinVar's aggregate classification.

Sharing Clinical Reports Project (SCRP)
Classification: Uncertain significance for Breast-ovarian cancer, familial 2. Last evaluated: 2012-02-09. Review status: no assertion criteria provided. Collection method: clinical testing. Allele origin: germline. Not counted in ClinVar's aggregate classification.

Breast Cancer Information Core (BIC) (BRCA2)
Classification: Uncertain significance for Breast-ovarian cancer, familial 2. Last evaluated: 2002-05-29. Review status: no assertion criteria provided. Collection method: clinical testing. Allele origin: germline. Affected: yes. Observed: 2 variant alleles. Not counted in ClinVar's aggregate classification.

Literature cited by the submitters: PubMed 10923033 (cited by Labcorp Genetics (formerly Invitae), Labcorp); PubMed 31191615 (cited by Labcorp Genetics (formerly Invitae), Labcorp and Quest Diagnostics Nichols Institute San Juan Capistrano); PubMed 31843900 (cited by 4 submitters); PubMed 33293522 (cited by 4 submitters); PubMed 19043619 (cited by 4 submitters); PubMed 39779848 (cited by Quest Diagnostics Nichols Institute San Juan Capistrano); PubMed 39779857 (cited by Quest Diagnostics Nichols Institute San Juan Capistrano); PubMed 31131967 (cited by Color Diagnostics, LLC DBA Color Health); PubMed 31853058 (cited by Color Diagnostics, LLC DBA Color Health).

NM_000059.4(BRCA2):c.7466A>G (p.Asp2489Gly)

Gene: BRCA2 (BRCA2 DNA repair associated; plus strand). Cytogenetic location: 13q13.1.
Variant type: single nucleotide variant.
Coding change: c.7466A>G on transcript NM_000059.4 (MANE Select); coding-DNA position 7466, A replaced by G.
Protein change: p.Asp2489Gly; replaces aspartic acid 2489 with glycine.
Molecular consequence: missense variant.
Genome position (GRCh38, 1-based): chr13:32,356,458, A>G. VCF-style: chr13-32356458-A-G. GRCh37 (hg19) VCF-style: chr13-32930595-A-G.
Other names: p.D2489G:GAT>GGT; short protein forms D2489G.
Identifiers: ClinVar variation 38098 (VCV000038098.29), dbSNP rs80358970, ClinGen allele CA025100.